The following is an entry in ClinVar:

NM_019032.6(ADAMTSL4):c.2471C>T (p.Ala824Val)

Gene: ADAMTSL4 (ADAMTS like 4; plus strand). Cytogenetic location: 1q21.2.
Variant type: single nucleotide variant.
Coding change: c.2471C>T on transcript NM_019032.6 (MANE Select); coding-DNA position 2471, C replaced by T.
Protein change: p.Ala824Val; replaces alanine 824 with valine.
Molecular consequence: missense variant.
Genome position (GRCh38, 1-based): chr1:150,558,561, C>T. VCF-style: chr1-150558561-C-T. GRCh37 (hg19) VCF-style: chr1-150531037-C-T.
Other names: c.2354C>T, p.Ala785Val (NM_001288607.2); c.2540C>T, p.Ala847Val (NM_001288608.2); c.2471C>T, p.Ala824Val (NM_001378596.1, NM_025008.5); c.2471C>T (NM_019032.4); short protein forms A785V, A824V, A847V.
Identifiers: ClinVar variation 2170985 (VCV002170985.3), dbSNP rs377554910, ClinGen allele CA1078687.

ClinVar aggregate classification (germline): Uncertain significance. Review status: criteria provided, multiple submitters, no conflicts (2 of 4 stars). 2 submissions from 2 submitters: Uncertain significance (2). Last evaluated 2023-08-08.

Conditions:
Inborn genetic diseases. Identifiers: MedGen C0950123, MeSH D030342.

Allele frequency attached by ClinVar (database versions not stated): gnomAD 0.00003; TOPMed 0.00003; ExAC 0.00004; ESP Exome Variant Server 0.00008.
gnomAD v4.1: 69 of 1,613,760 alleles (0.0043%); highest among the groups gnomAD compares: Non-Finnish European, 0.0051%; no homozygotes.

Submissions (2):

Ambry Genetics
Classification: Uncertain significance for Inborn genetic diseases. Last evaluated: 2023-08-08. Review status: criteria provided, single submitter. Criteria: Ambry Variant Classification Scheme 2023. Collection method: clinical testing. Allele origin: germline.

Labcorp Genetics (formerly Invitae), Labcorp
Classification: Uncertain significance. Last evaluated: 2022-06-30. Review status: criteria provided, single submitter. Criteria: Invitae Variant Classification Sherloc (09022015). Collection method: clinical testing. Allele origin: germline.
Comment: This sequence change replaces alanine, which is neutral and non-polar, with valine, which is neutral and non-polar, at codon 824 of the ADAMTSL4 protein (p.Ala824Val). This variant is present in population databases (rs377554910, gnomAD 0.006%). This variant has not been reported in the literature in individuals affected with ADAMTSL4-related conditions. Algorithms developed to predict the effect of missense changes on protein structure and function output the following: SIFT: "Deleterious"; PolyPhen-2: "Benign"; Align-GVGD: "Class C0". The valine amino acid residue is found in multiple mammalian species, which suggests that this missense change does not adversely affect protein function. In summary, the available evidence is currently insufficient to determine the role of this variant in disease. Therefore, it has been classified as a Variant of Uncertain Significance.